The following is an entry in ClinVar:

NM_017780.4(CHD7):c.2376+5G>C

Gene: CHD7 (chromodomain helicase DNA binding protein 7; plus strand). Cytogenetic location: 8q12.2.
Variant type: single nucleotide variant.
Coding change: c.2376+5G>C on transcript NM_017780.4 (MANE Select); 5 bases into the intron after coding-DNA position 2376, G replaced by C.
Molecular consequence: intron variant.
Genome position (GRCh38, 1-based): chr8:60,800,530, G>C. VCF-style: chr8-60800530-G-C. GRCh37 (hg19) VCF-style: chr8-61713089-G-C.
Other names: c.1716+19480G>C (NM_001316690.1).
Identifiers: ClinVar variation 4713735 (VCV004713735.1).
Genomic context (GRCh38, chr8:60,800,530, plus strand): 5'-ATGCAGATGCTGCTGGGAGGGATTCCCCCTCCAACACCTCCCAGTCAGAACAGCAGGTTA[G>C]TACCAGATCTGTGGGATTTATGGATGCATTTTAAAGATGGACTAGAAATTTCATTGCTGC-3'

ClinVar aggregate classification (germline): Uncertain significance (1 of 4 stars; one submission).

Conditions:
CHARGE syndrome (CHARGE). Also called: Hittner Hirsch Kreh syndrome; CHARGE ASSOCIATION--COLOBOMA, HEART ANOMALY, CHOANAL ATRESIA, RETARDATION, GENITAL AND EAR ANOMALIES; Coloboma, heart anomaly, choanal atresia, retardation, genital and ear anomalies; CHARGE association; Hall-Hittner syndrome. Identifiers: Orphanet 138, MedGen C0265354, MONDO:0008965.

Submission:

Labcorp Genetics (formerly Invitae), Labcorp
Classification: Uncertain significance for CHARGE syndrome. Last evaluated: 2025-03-04. Review status: criteria provided, single submitter. Criteria: Invitae Variant Classification Sherloc (09022015). Collection method: clinical testing. Allele origin: germline.
Comment: This sequence change falls in intron 5 of the CHD7 gene. It does not directly change the encoded amino acid sequence of the CHD7 protein. It affects a nucleotide within the consensus splice site. This variant is not present in population databases (gnomAD no frequency). This variant has not been reported in the literature in individuals affected with CHD7-related conditions. Variants that disrupt the consensus splice site are a relatively common cause of aberrant splicing (PMID: 17576681, 9536098). Algorithms developed to predict the effect of sequence changes on RNA splicing suggest that this variant may disrupt the consensus splice site. In summary, the available evidence is currently insufficient to determine the role of this variant in disease. Therefore, it has been classified as a Variant of Uncertain Significance.

Literature cited by the submitters: PubMed 17576681; PubMed 9536098.